The following is an entry in ClinVar:

ClinVar aggregate classification (germline): Conflicting classifications of pathogenicity. Review status: criteria provided, conflicting classifications (1 of 4 stars). 3 submissions from 3 submitters: Likely pathogenic (2); Uncertain significance (1). Last evaluated 2024-06-05.

Conditions:
GLDC-related disorders.
Glycine encephalopathy. Also called: Non-ketotic hyperglycinemia; Nonketotic hyperglycinemia. Identifiers: Orphanet 407, MedGen C0751748, MONDO:0011612, HP:0008288.
Glycine encephalopathy 1 (GCE1). Identifiers: MedGen CN376801, MONDO:0958179, OMIM 605899.

Allele frequency attached by ClinVar (database versions not stated): ExAC 0.00002; gnomAD 0.00002 and 0.00003; gnomAD exomes 0.00002 and 0.00004; TOPMed 0.00002; 1000 Genomes Project 30x 0.00016; 1000 Genomes Project 0.00020.
gnomAD v4.1: 62 of 1,613,174 alleles (0.0038%); highest among the groups gnomAD compares: East Asian, 0.0067%; no homozygotes.

Submissions (3):

Blueprint Genetics
Classification: Likely pathogenic for GLDC-related disorders. Last evaluated: 2024-06-05. Review status: criteria provided, single submitter. Criteria: ACMG Guidelines, 2015. Collection method: clinical testing. Allele origin: germline. Affected: yes. Observed: 3 variant alleles.

Labcorp Genetics (formerly Invitae), Labcorp
Classification: Uncertain significance for Glycine encephalopathy. Last evaluated: 2022-05-31. Review status: criteria provided, single submitter. Criteria: Invitae Variant Classification Sherloc (09022015). Collection method: clinical testing. Allele origin: germline.
Comment: This sequence change replaces arginine, which is basic and polar, with tryptophan, which is neutral and slightly polar, at codon 149 of the GLDC protein (p.Arg149Trp). This variant is present in population databases (rs183024300, gnomAD 0.02%). This variant has not been reported in the literature in individuals affected with GLDC-related conditions. Advanced modeling of protein sequence and biophysical properties (such as structural, functional, and spatial information, amino acid conservation, physicochemical variation, residue mobility, and thermodynamic stability) performed at Invitae indicates that this missense variant is expected to disrupt GLDC protein function. In summary, the available evidence is currently insufficient to determine the role of this variant in disease. Therefore, it has been classified as a Variant of Uncertain Significance.

Victorian Clinical Genetics Services, Murdoch Childrens Research Institute
Classification: Likely pathogenic for Glycine encephalopathy 1. Last evaluated: 2022-02-02. Review status: criteria provided, single submitter. Criteria: ACMG Guidelines, 2015. Collection method: clinical testing. Allele origin: germline. Inheritance: Autosomal recessive inheritance. Affected: yes.
Comment: Based on the classification scheme VCGS_Germline_v1.3.4, this variant is classified as Likely pathogenic. Following criteria are met: 0102 - Loss of function is a known mechanism of disease in this gene and is associated with glycine encephalopathy (MIM#605899). (I) 0106 - This gene is associated with autosomal recessive disease. (I) 0200 - Variant is predicted to result in a missense amino acid change from arginine to tryptophan. (I) 0251 - This variant is heterozygous. (I) 0304 - Variant is present in gnomAD <0.01 for a recessive condition (v2: 5 heterozygotes, 0 homozygotes). (SP) 0309 - An alternative amino acid change at the same position has been observed in gnomAD (v2) (16 heterozygotes, 0 homozygotes). (I) 0501 - Missense variant consistently predicted to be damaging by multiple in silico tools or highly conserved with a major amino acid change. (SP) 0600 - Variant is located in the annotated glycine cleavage system P-protein domain (DECIPHER). (I) 0705 - No comparable missense variants have previous evidence for pathogenicity. (I) 0809 - Previous evidence of pathogenicity for this variant is inconclusive. It has been reported as a VUS in LOVD with no further evidence. (I) 0905 - No published segregation evidence has been identified for this variant. (I) 1007 - No published functional evidence has been identified for this variant. (I) 1102 - Strong phenotype match for this individual. (SP) 1201 - Heterozygous variant detected in trans with a second pathogenic heterozygous variant (p.(Arg790Trp)) in a recessive disease. (I) Legend: (SP) - Supporting pathogenic, (I) - Information, (SB) - Supporting benign

NM_000170.3(GLDC):c.445C>T (p.Arg149Trp)

Gene: GLDC (glycine decarboxylase; minus strand). Cytogenetic location: 9p24.1.
Variant type: single nucleotide variant.
Coding change: c.445C>T on transcript NM_000170.3 (MANE Select); coding-DNA position 445, C replaced by T.
Protein change: p.Arg149Trp; replaces arginine 149 with tryptophan.
Molecular consequence: missense variant.
Genome position (GRCh38, 1-based): chr9:6,620,209, G>A on the plus strand (C>T on the coding strand, the complement: GLDC is on the minus strand). VCF-style: chr9-6620209-G-A. GRCh37 (hg19) VCF-style: chr9-6620209-G-A.
Other names: short protein forms R149W.
Identifiers: ClinVar variation 1699494 (VCV001699494.6), dbSNP rs183024300, ClinGen allele CA4981151.
Genomic context (GRCh38, chr9:6,620,209, plus strand): 5'-CAGTCATCCTGTTCCTGAACTGAGAAATACATTACCATCCTGAGTTCTCCAGTAAGTTCC[G>A]CAAAATCGTCTGTGGCACTGAGCAGTTATAATAGCCCATGCCAATATACGATCTCCAGAT-3'
Protein context (NP_000161.2, residues 139-159): YNCSVPQTIL[Arg149Trp]NLLENSGWIT